The following is an entry in ClinVar:

NM_005045.4(RELN):c.6607C>T (p.Leu2203Phe)

Gene: RELN (reelin; minus strand). Cytogenetic location: 7q22.1.
Variant type: single nucleotide variant.
Coding change: c.6607C>T on transcript NM_005045.4 (MANE Select); coding-DNA position 6607, C replaced by T.
Protein change: p.Leu2203Phe; replaces leucine 2203 with phenylalanine.
Molecular consequence: missense variant.
Genome position (GRCh38, 1-based): chr7:103,542,795, G>A on the plus strand (C>T on the coding strand, the complement: RELN is on the minus strand). VCF-style: chr7-103542795-G-A. GRCh37 (hg19) VCF-style: chr7-103183242-G-A.
Other names: c.6607C>T, p.Leu2203Phe (NM_173054.3); short protein forms L2203F.
Identifiers: ClinVar variation 1001778 (VCV001001778.8), dbSNP rs1296074586, ClinGen allele CA368770372.
Genomic context (GRCh38, chr7:103,542,795, plus strand): 5'-CATGTGATAAATCCAGGTCTCGTGTCATCAACATGCGCAAGCCATCTTCATTGAAAAAGA[G>A]GTTGTTTCCACTAGAAAGGATTCCACACTTTCGAGATGGTTTCCCACCACTCATTAATAA-3'
Protein context (NP_005036.2, residues 2193-2213): KCGILSSGNN[Leu2203Phe]FFNEDGLRML

ClinVar aggregate classification (germline): Uncertain significance (1 of 4 stars; one submission).

Conditions:
Norman-Roberts syndrome (LIS2). Also called: Lissencephaly 2 (Norman-Roberts type). Identifiers: Orphanet 89844, MedGen C0796089, MONDO:0009760, OMIM 257320.
Familial temporal lobe epilepsy 7. Identifiers: Orphanet 101046, MedGen C4225327, MONDO:0014639, OMIM 616436.

Allele frequency attached by ClinVar (database versions not stated): TOPMed 0.00001.
gnomAD v4.1: 1 of 1,614,048 alleles (0.000062%); highest among the groups gnomAD compares: Non-Finnish European, 0.000085%; no homozygotes.

Submission:

Labcorp Genetics (formerly Invitae), Labcorp
Classification: Uncertain significance for Familial temporal lobe epilepsy 7; Norman-Roberts syndrome. Last evaluated: 2024-11-21. Review status: criteria provided, single submitter. Criteria: Invitae Variant Classification Sherloc (09022015). Collection method: clinical testing. Allele origin: germline.
Comment: This sequence change replaces leucine, which is neutral and non-polar, with phenylalanine, which is neutral and non-polar, at codon 2203 of the RELN protein (p.Leu2203Phe). This variant is not present in population databases (gnomAD no frequency). This variant has not been reported in the literature in individuals affected with RELN-related conditions. ClinVar contains an entry for this variant (Variation ID: 1001778). Invitae Evidence Modeling of protein sequence and biophysical properties (such as structural, functional, and spatial information, amino acid conservation, physicochemical variation, residue mobility, and thermodynamic stability) indicates that this missense variant is not expected to disrupt RELN protein function with a negative predictive value of 80%. In summary, the available evidence is currently insufficient to determine the role of this variant in disease. Therefore, it has been classified as a Variant of Uncertain Significance.